The following is an entry in ClinVar:

NM_001267550.2(TTN):c.20074G>A (p.Ala6692Thr)

Genes: TTN (titin; minus strand), LOC126806429 (BRD4-independent group 4 enhancer GRCh37_chr2:179591393-179592592; plus strand). Cytogenetic location: 2q31.2.
Variant type: single nucleotide variant.
Coding change: c.20074G>A on transcript NM_001267550.2 (MANE Select); coding-DNA position 20074, G replaced by A.
Protein change: p.Ala6692Thr; replaces alanine 6692 with threonine.
Molecular consequence: missense variant. On other transcripts: intron variant (3).
Genome position (GRCh38, 1-based): chr2:178,727,291, C>T on the plus strand (G>A on the coding strand, the complement: TTN is on the minus strand). VCF-style: chr2-178727291-C-T. GRCh37 (hg19) VCF-style: chr2-179592018-C-T.
Other names: c.19123G>A, p.Ala6375Thr (NM_001256850.1); c.16342G>A, p.Ala5448Thr (NM_133378.4); c.13282+10791G>A (NM_003319.4); c.13858+10791G>A (NM_133437.4); c.13657+10791G>A (NM_133432.3); short protein forms A5448T, A6375T, A6692T.
Identifiers: ClinVar variation 1313219 (VCV001313219.3), dbSNP rs757056558, ClinGen allele CA2001267.
Genomic context (GRCh38, chr2:178,727,291, plus strand): 5'-CACTGGCTGGAAGTTCATGTTCATTTCGGAACCACACAACTCTGATTTCTGGGGATCCAG[C>T]TATCTTGCATTCAAGTCGTGAAGAGTCACCTGCTTTCACAATTTTGGAGGCTTCTAATTT-3'
Protein context (NP_001254479.2, residues 6682-6702): GDSSRLECKI[Ala6692Thr]GSPEIRVVWF

ClinVar aggregate classification (germline): Uncertain significance. Review status: criteria provided, multiple submitters, no conflicts (2 of 4 stars). 2 submissions from 2 submitters: Uncertain significance (2). Last evaluated 2022-01-17.

Conditions:
Autosomal recessive limb-girdle muscular dystrophy type 2J (LGMDR10). Also called: Limb-girdle muscular dystrophy, type 2J; MUSCULAR DYSTROPHY, LIMB-GIRDLE, AUTOSOMAL RECESSIVE 10. Identifiers: Orphanet 140922, MedGen C1837342, MONDO:0012127, OMIM 608807.
Hypertrophic cardiomyopathy 9. Also called: Familial hypertrophic cardiomyopathy 9. Identifiers: MedGen C1861065, MONDO:0013412, OMIM 613765.
Early-onset myopathy with fatal cardiomyopathy (CMYO5). Also called: CONGENITAL MYOPATHY 5 WITH CARDIOMYOPATHY; Salih Myopathy. Identifiers: Orphanet 289377, MedGen C2673677, MONDO:0012714, OMIM 611705. Disease mechanism: loss of function.
Dilated cardiomyopathy 1G (CMD1G). Identifiers: Orphanet 154, MedGen C1858763, MONDO:0011400, OMIM 604145.
Myopathy, myofibrillar, 9, with early respiratory failure (MFM9). Also called: Hereditary myopathy with early respiratory failure; EDSTROM MYOPATHY; MYOPATHY, PROXIMAL, WITH EARLY RESPIRATORY MUSCLE INVOLVEMENT; Myopathy, distal, with early respiratory failure, autosomal dominant. Identifiers: Orphanet 178464, Orphanet 34521, MedGen C1863599, MONDO:0011362, OMIM 603689.
Tibial muscular dystrophy (TMD). Also called: Udd Distal Myopathy – Tibial Muscular Dystrophy; UDD MYOPATHY; Tibial muscular dystrophy, tardive. Identifiers: Orphanet 609, MedGen C1838244, MONDO:0010870, OMIM 600334.

Allele frequency attached by ClinVar (database versions not stated): gnomAD exomes 0.00001; ExAC 0.00002.
gnomAD v4.1: 12 of 1,613,030 alleles (0.00074%); highest among the groups gnomAD compares: Non-Finnish European, 0.00076%; no homozygotes.

Submissions (2):

Department of Pathology and Laboratory Medicine, Sinai Health System
Classification: Uncertain significance for Tibial muscular dystrophy; Myopathy, myofibrillar, 9, with early respiratory failure; Dilated cardiomyopathy 1G; Autosomal recessive limb-girdle muscular dystrophy type 2J; Early-onset myopathy with fatal cardiomyopathy; Hypertrophic cardiomyopathy 9. Last evaluated: 2022-01-17. Review status: criteria provided, single submitter. Criteria: ACMG Guidelines, 2015. Collection method: research. Allele origin: germline.

GeneDx
Classification: Uncertain significance. Last evaluated: 2020-10-02. Review status: criteria provided, single submitter. Criteria: GeneDx Variant Classification Process June 2021. Collection method: clinical testing. Allele origin: germline. Affected: yes.
Comment: Not observed at a significant frequency in large population cohorts (Lek et al., 2016); Missense variant in a gene in which most reported pathogenic variants are truncating/loss-of-function; Has not been previously published as pathogenic or benign to our knowledge